The following is an entry in ClinVar:

ClinVar aggregate classification (germline): Uncertain significance (1 of 4 stars; one submission).

Allele frequency attached by ClinVar (database versions not stated): gnomAD exomes below 0.00001; gnomAD 0.00001.
gnomAD v4.1: 2 of 1,583,504 alleles (0.00013%); highest among the groups gnomAD compares: South Asian, 0.0024%; no homozygotes.

Submission:

Ambry Genetics
Classification: Uncertain significance. Last evaluated: 2022-06-18. Review status: criteria provided, single submitter. Criteria: Ambry Variant Classification Scheme 2023. Collection method: clinical testing. Allele origin: germline.
Comment: The p.Q591H variant (also known as c.1773A>T), located in coding exon 16 of the PRKDC gene, results from an A to T substitution at nucleotide position 1773. The glutamine at codon 591 is replaced by histidine, an amino acid with highly similar properties. This amino acid position is conserved. In addition, this alteration is predicted to be tolerated by in silico analysis. Since supporting evidence is limited at this time, the clinical significance of this alteration remains unclear.

NM_006904.7(PRKDC):c.1773A>T (p.Gln591His)

Gene: PRKDC (protein kinase, DNA-activated, catalytic subunit; minus strand). Cytogenetic location: 8q11.21.
Variant type: single nucleotide variant.
Coding change: c.1773A>T on transcript NM_006904.7 (MANE Select); coding-DNA position 1773, A replaced by T.
Protein change: p.Gln591His; replaces glutamine 591 with histidine.
Molecular consequence: missense variant.
Genome position (GRCh38, 1-based): chr8:47,933,023, T>A on the plus strand (A>T on the coding strand, the complement: PRKDC is on the minus strand). VCF-style: chr8-47933023-T-A. GRCh37 (hg19) VCF-style: chr8-48845583-T-A.
Other names: c.1773A>T, p.Gln591His (NM_001081640.2); short protein forms Q591H.
Identifiers: ClinVar variation 1779828 (VCV001779828.2), dbSNP rs2090283080, ClinGen allele CA371164892.